The following is an entry in ClinVar:

NM_000081.4(LYST):c.2363+4T>C

Gene: LYST (lysosomal trafficking regulator; minus strand). Cytogenetic location: 1q42.3.
Variant type: single nucleotide variant.
Coding change: c.2363+4T>C on transcript NM_000081.4 (MANE Select); 4 bases into the intron after coding-DNA position 2363, T replaced by C.
Molecular consequence: intron variant.
Genome position (GRCh38, 1-based): chr1:235,808,451, A>G on the plus strand (T>C on the coding strand, the complement: LYST is on the minus strand). VCF-style: chr1-235808451-A-G. GRCh37 (hg19) VCF-style: chr1-235971751-A-G.
Other names: p.?; c.2363+4T>C (NM_001301365.1).
Identifiers: ClinVar variation 211407 (VCV000211407.58), dbSNP rs201398337, ClinGen allele CA209367.

ClinVar aggregate classification (germline): Conflicting classifications of pathogenicity. Review status: criteria provided, conflicting classifications (1 of 4 stars). 10 submissions from 10 submitters: Uncertain significance (2); Benign (4); Likely benign (4). Last evaluated 2026-02-01.

Conditions:
Autoinflammatory syndrome. Identifiers: Orphanet 93665, MedGen C3890737, MONDO:0019751.
Inborn genetic diseases. Identifiers: MedGen C0950123, MeSH D030342.
Chédiak-Higashi syndrome (CHS). Also called: Chediak-Higashi Syndrome. Identifiers: Orphanet 167, MedGen C0007965, MONDO:0008963, OMIM 214500.

Allele frequency attached by ClinVar (database versions not stated): ESP Exome Variant Server 0.00077; TOPMed 0.00086; gnomAD exomes 0.00133; gnomAD 0.00252.
gnomAD v4.1: 1,960 of 1,612,428 alleles (0.12%); highest among the groups gnomAD compares: Non-Finnish European, 0.13%; 6 homozygotes.

Submissions (10):

Labcorp Genetics (formerly Invitae), Labcorp
Classification: Benign for Chédiak-Higashi syndrome. Last evaluated: 2026-02-01. Review status: criteria provided, single submitter. Criteria: Invitae Variant Classification Sherloc (09022015). Collection method: clinical testing. Allele origin: germline.

Mayo Clinic Laboratories, Mayo Clinic
Classification: Benign. Last evaluated: 2025-06-05. Review status: criteria provided, single submitter. Criteria: ACMG Guidelines, 2015. Collection method: clinical testing. Allele origin: germline. Observed: 6 variant alleles.
Comment: BS1, BS2, BP4, BP7

Laboratory of Genetics, Children's Clinical University Hospital Latvia
Classification: Benign. Last evaluated: 2025-02-16. Review status: criteria provided, single submitter. Criteria: ACMG Guidelines, 2015. Collection method: clinical testing. Allele origin: germline. Affected: yes.

CeGaT Center for Human Genetics Tuebingen
Classification: Likely benign. Last evaluated: 2025-01-01. Review status: criteria provided, single submitter. Criteria: CeGaT Center For Human Genetics Tuebingen Variant Classification Criteria Version 2. Collection method: clinical testing. Allele origin: germline. Affected: yes. Observed: 5 variant alleles.
Comment: LYST: BP4, BS2

Blueprint Genetics
Classification: Likely benign. Last evaluated: 2024-11-25. Review status: criteria provided, single submitter. Criteria: ACMG Guidelines, 2015. Collection method: clinical testing. Allele origin: germline.

Women's Health and Genetics/Laboratory Corporation of America, LabCorp
Classification: Benign. Last evaluated: 2023-08-21. Review status: criteria provided, single submitter. Criteria: LabCorp Variant Classification Summary - May 2015. Collection method: clinical testing. Allele origin: germline.
Comment: Variant summary: LYST c.2363+4T>C alters a non-conserved nucleotide located close to a canonical splice site and therefore could affect mRNA splicing, leading to a significantly altered protein sequence. 3/4 computational tools predict no significant impact on normal splicing, and 1/4 predict the variant strengthens a cryptic 5' splice donor site 4nt into intron 5. However, these predictions have yet to be confirmed by functional studies. The variant allele was found at a frequency of 0.0015 in 281942 control chromosomes (gnomAD), predominantly at a frequency of 0.0021 within the Non-Finnish European subpopulation in the gnomAD database, including 2 homozygotes. The observed variant frequency within Non-Finnish European control individuals in the gnomAD database is approximately 2 fold of the estimated maximal expected allele frequency for a pathogenic variant in LYST causing Chediak-Higashi Syndrome (0.0011), strongly suggesting that the variant is a benign polymorphism found primarily in populations of Non-Finnish European origin. To our knowledge, no occurrence of c.2363+4T>C in individuals affected with Chediak-Higashi Syndrome and no experimental evidence demonstrating its impact on protein function have been reported. Six ClinVar submitters have assessed the variant since 2014: two classified the variant as uncertain significance, three as likely benign, and one as benign. Based on the evidence outlined above, the variant was classified as benign.

Ambry Genetics
Classification: Likely benign for Inborn genetic diseases. Last evaluated: 2022-03-07. Review status: criteria provided, single submitter. Criteria: Ambry Variant Classification Scheme 2023. Collection method: clinical testing. Allele origin: germline.

Center for Genomics, Ann and Robert H. Lurie Children's Hospital of Chicago
Classification: Uncertain significance for Chédiak-Higashi syndrome. Last evaluated: 2021-12-08. Review status: criteria provided, single submitter. Criteria: ACMG Guidelines, 2015. Collection method: clinical testing. Allele origin: germline.
Comment: LYST NM_000081.3 exon 5 c.2363+4T>C: This variant has not been reported in the literature but is present in 0.2% (270/128716) of European alleles, including 2 homozygotes, in the Genome Aggregation Database. This variant is present in ClinVar (Variation ID:211407). Evolutionary conservation and computational predictive tools for this variant are limited or unavailable. This variant is an intronic variant with no predicted change in the amino acid sequence but may have an unknown effect on splicing. Further studies are needed to understand its impact. In summary, data on this variant is insufficient for disease classification. Therefore, the clinical significance of this variant is uncertain.

Genome Diagnostics Laboratory, The Hospital for Sick Children
Classification: Likely benign for Autoinflammatory syndrome. Last evaluated: 2018-09-01. Review status: criteria provided, single submitter. Criteria: ACMG Guidelines, 2015. Collection method: clinical testing. Allele origin: germline. Affected: yes.

Genetic Services Laboratory, University of Chicago
Classification: Uncertain significance. Last evaluated: 2015-06-16. Review status: criteria provided, single submitter. Criteria: ACMG Guidelines, 2015. Collection method: clinical testing. Allele origin: germline.